The following is an entry in ClinVar:

ClinVar aggregate classification (germline): Uncertain significance (1 of 4 stars; one submission).

Conditions:
Neurodevelopmental disorder with dysmorphic facies, sleep disturbance, and brain abnormalities. Identifiers: MedGen C5436821, MONDO:0030852, OMIM 619103.

Submission:

Breda Genetics srl
Classification: Uncertain significance for Neurodevelopmental disorder with dysmorphic facies, sleep disturbance, and brain abnormalities. Last evaluated: 2021-06-29. Review status: criteria provided, single submitter. Criteria: ACMG Guidelines, 2015. Collection method: clinical testing. Allele origin: germline. Inheritance: Autosomal dominant inheritance. Affected: yes. Observed: 1 variant allele, 1 heterozygote.
Comment: Based on allele frequency, in-silico prediction scores and a certain overlap with the clinical phenotype, we interpreted this variant at least as of uncertain significance. The lack of one or more of the following features has discouraged further investigations: lack of a possible second hit in autosomal recessive conditions, presence of healthy controls in databases for autosomal dominant conditions, presence of unmatching cardinal clinical features in the patient or in the known gene-disease association, and/or variant type outside the known gene mutational spectrum.

NM_182710.3(KAT5):c.1264+3_1264+6del

Gene: KAT5 (lysine acetyltransferase 5; plus strand). Cytogenetic location: 11q13.1.
Variant type: Deletion.
Coding change: c.1264+3_1264+6del on transcript NM_182710.3 (MANE Select); bases 3 to 6 of the intron after coding-DNA position 1264, 4 bases deleted (GAGT; older notation c.1264+3_1264+6delGAGT).
Molecular consequence: splice donor variant.
Genome position (GRCh38, 1-based): chr11:65,716,985-65,716,988, GAGT deleted; deleting any 4 consecutive bases within chr11:65,716,982-65,716,988 gives the same sequence; the c. name uses the placement nearest the transcript's 3' end. VCF-style (leftmost placement, unchanged base first): chr11-65716981-CAGTG-C. GRCh37 (hg19) VCF-style: chr11-65484452-CAGTG-C.
Other names: c.1108+3_1108+6del (NM_001206833.2); c.1165+3_1165+6del (NM_006388.4); c.1009+3_1009+6del (NM_182709.3).
Identifiers: ClinVar variation 1299702 (VCV001299702.1), dbSNP rs781459819, ClinGen allele CA6107476.